The following is an entry in ClinVar:

NM_016599.5(MYOZ2):c.499_501delinsAACTTTTCAAG (p.Tyr167fs)

Gene: MYOZ2 (myozenin 2; plus strand). Cytogenetic location: 4q26.
Variant type: Indel.
Coding change: c.499_501delinsAACTTTTCAAG on transcript NM_016599.5 (MANE Select); coding-DNA positions 499 to 501, TAT replaced by AACTTTTCAAG.
Protein change: p.Tyr167fs; shifts the reading frame from tyrosine 167.
Molecular consequence: frameshift variant.
Genome position (GRCh38, 1-based): chr4:119,164,333-119,164,335, TAT replaced by AACTTTTCAAG. VCF-style: chr4-119164333-TAT-AACTTTTCAAG. GRCh37 (hg19) VCF-style: chr4-120085488-TAT-AACTTTTCAAG.
Other names: short protein forms Y167fs.
Identifiers: ClinVar variation 856155 (VCV000856155.6), dbSNP rs1741776648, ClinGen allele CA916081458.
Genomic context (GRCh38, chr4:119,164,333, plus strand): 5'-TACTATCAATCTCCCTGGGAACAAGCCATTAGCAATGATCCGGAGCTTTTAGAGGCTTTA[TAT>AACTTTTCAAG]CCTAAACTTTTCAAGCCTGAAGGAAAGGCAGAACTGCCTGATTACAGGAGCTTTAACAGG-3'

ClinVar aggregate classification (germline): Uncertain significance (1 of 4 stars; one submission).

Conditions:
Hypertrophic cardiomyopathy. Also called: HYPERTROPHIC MYOCARDIOPATHY. Identifiers: Orphanet 217569, MedGen C0007194, MeSH D002312, MONDO:0005045, HP:0001639.

Submission:

Labcorp Genetics (formerly Invitae), Labcorp
Classification: Uncertain significance for Hypertrophic cardiomyopathy. Last evaluated: 2019-01-29. Review status: criteria provided, single submitter. Criteria: Invitae Variant Classification Sherloc (09022015). Collection method: clinical testing. Allele origin: germline.
Comment: This sequence change results in a premature translational stop signal in the MYOZ2 gene (p.Tyr167Asnfs*51). While this is not anticipated to result in nonsense mediated decay, it is expected to disrupt the last 98 amino acids of the MYOZ2 protein. This variant is not present in population databases (ExAC no frequency). In summary, the available evidence is currently insufficient to determine the role of this variant in disease. Therefore, it has been classified as a Variant of Uncertain Significance. Algorithms developed to predict the effect of sequence changes on RNA splicing suggest that this variant may create or strengthen a splice site, but this prediction has not been confirmed by published transcriptional studies. Experimental studies and prediction algorithms are not available for this variant, and the functional significance of the affected amino acid(s) is currently unknown. This variant has not been reported in the literature in individuals with MYOZ2-related conditions.